The following is an entry in ClinVar:

NM_003105.6(SORL1):c.4112A>C (p.Tyr1371Ser)

Gene: SORL1 (sortilin related receptor 1; plus strand). Cytogenetic location: 11q24.1.
Variant type: single nucleotide variant.
Coding change: c.4112A>C on transcript NM_003105.6 (MANE Select); coding-DNA position 4112, A replaced by C.
Protein change: p.Tyr1371Ser; replaces tyrosine 1371 with serine.
Molecular consequence: missense variant.
Genome position (GRCh38, 1-based): chr11:121,590,073, A>C. VCF-style: chr11-121590073-A-C. GRCh37 (hg19) VCF-style: chr11-121460782-A-C.
Other names: short protein forms Y1371S.
Identifiers: ClinVar variation 2817913 (VCV002817913.3), dbSNP rs1424139915, ClinGen allele CA383031732.

ClinVar aggregate classification (germline): Uncertain significance (1 of 4 stars; one submission).

Submission:

Labcorp Genetics (formerly Invitae), Labcorp
Classification: Uncertain significance. Last evaluated: 2022-12-02. Review status: criteria provided, single submitter. Criteria: Invitae Variant Classification Sherloc (09022015). Collection method: clinical testing. Allele origin: germline.
Comment: In summary, the available evidence is currently insufficient to determine the role of this variant in disease. Therefore, it has been classified as a Variant of Uncertain Significance. Algorithms developed to predict the effect of sequence changes on RNA splicing suggest that this variant may create or strengthen a splice site. Algorithms developed to predict the effect of missense changes on protein structure and function are either unavailable or do not agree on the potential impact of this missense change (SIFT: "Tolerated"; PolyPhen-2: "Possibly Damaging"; Align-GVGD: "Class C0"). This variant has not been reported in the literature in individuals affected with SORL1-related conditions. This variant is not present in population databases (gnomAD no frequency). This sequence change replaces tyrosine, which is neutral and polar, with serine, which is neutral and polar, at codon 1371 of the SORL1 protein (p.Tyr1371Ser).